The following is an entry in ClinVar:

NC_000001.10:g.(?_158641113)_(158646105_?)del

Gene: SPTA1 (spectrin alpha, erythrocytic 1; minus strand). Cytogenetic location: 1q23.1.
Variant type: Deletion.
Identifiers: ClinVar variation 2424630 (VCV002424630.4).

ClinVar aggregate classification (germline): Uncertain significance (1 of 4 stars; one submission).

Submission:

Labcorp Genetics (formerly Invitae), Labcorp
Classification: Uncertain significance. Last evaluated: 2022-03-14. Review status: criteria provided, single submitter. Criteria: Invitae Variant Classification Sherloc (09022015). Collection method: clinical testing. Allele origin: germline.
Comment: In summary, the available evidence is currently insufficient to determine the role of this variant in disease. Therefore, it has been classified as a Variant of Uncertain Significance. Experimental studies and prediction algorithms are not available or were not evaluated, and the functional significance of this variant is currently unknown. This variant has not been reported in the literature in individuals affected with SPTA1-related conditions. This variant is a gross deletion of the genomic region encompassing exon(s) 8-12 of the SPTA1 gene. This variant would be expected to be in-frame, preserving the integrity of the reading frame.